The following is an entry in ClinVar:

ClinVar aggregate classification (germline): Pathogenic (1 of 4 stars; one submission).

Conditions:
Hereditary spastic paraplegia 11. Also called: SPASTIC PARAPLEGIA, AUTOSOMAL RECESSIVE, COMPLICATED, WITH THIN CORPUS CALLOSUM; SPASTIC PARAPLEGIA, AUTOSOMAL RECESSIVE, WITH MENTAL IMPAIRMENT AND THIN CORPUS CALLOSUM; Spastic Paraplegia 11; Spastic paraplegia, mental retardation and thin corpus callosum; Nakamura Osame syndrome; Autosomal recessive hereditary spastic paraplegia, mental impairment, and thin corpus callosum. Identifiers: Orphanet 2822, MedGen C1858479, MONDO:0011445, OMIM 604360.

Submission:

Department of Biochemistry, Faculty of Medicine, University of Khartoum
Classification: Pathogenic for Hereditary spastic paraplegia 11. Review status: criteria provided, single submitter. Criteria: ACMG Guidelines, 2015. Collection method: research. Allele origin: inherited. Affected: yes. Observed: 3 variant alleles.
Comment: Found in trans with another loss-of-function variant

NM_025137.4(SPG11):c.2399del (p.Tyr800fs)

Gene: SPG11 (SPG11 vesicle trafficking associated, spatacsin; minus strand). Cytogenetic location: 15q21.1.
Variant type: Deletion.
Coding change: c.2399del on transcript NM_025137.4 (MANE Select); coding-DNA position 2399, one base deleted (A; older notation c.2399delA).
Protein change: p.Tyr800fs; shifts the reading frame from tyrosine 800.
Molecular consequence: frameshift variant.
Genome position (GRCh38, 1-based): chr15:44,622,265, T deleted on the plus strand (A on the coding strand, the reverse complement: SPG11 is on the minus strand). VCF-style (leftmost placement, unchanged base first): chr15-44622264-AT-A. GRCh37 (hg19) VCF-style: chr15-44914462-AT-A.
Other names: c.2399del, p.Tyr800fs (NM_001160227.2); c.2399delA, p.Tyr800Phefs (NM_001411132.1); short protein forms Y800fs.
Identifiers: ClinVar variation 1705924 (VCV001705924.1), dbSNP rs2505557860, ClinGen allele CA2580089467.